The following is an entry in ClinVar:

ClinVar aggregate classification (germline): Uncertain significance (1 of 4 stars; one submission).

gnomAD v4.1: 4 of 1,613,900 alleles (0.00025%); highest among the groups gnomAD compares: Non-Finnish European, 0.00034%; no homozygotes.

Submission:

Labcorp Genetics (formerly Invitae), Labcorp
Classification: Uncertain significance. Last evaluated: 2022-06-20. Review status: criteria provided, single submitter. Criteria: Invitae Variant Classification Sherloc (09022015). Collection method: clinical testing. Allele origin: germline.
Comment: In summary, the available evidence is currently insufficient to determine the role of this variant in disease. Therefore, it has been classified as a Variant of Uncertain Significance. Algorithms developed to predict the effect of missense changes on protein structure and function are either unavailable or do not agree on the potential impact of this missense change (SIFT: "Not Available"; PolyPhen-2: "Benign"; Align-GVGD: "Not Available"). This variant has not been reported in the literature in individuals affected with MYO18B-related conditions. This variant is not present in population databases (gnomAD no frequency). This sequence change replaces glutamine, which is neutral and polar, with arginine, which is basic and polar, at codon 129 of the MYO18B protein (p.Gln129Arg).

NM_032608.7(MYO18B):c.386A>G (p.Gln129Arg)

Gene: MYO18B (myosin XVIIIB; plus strand). Cytogenetic location: 22q12.1.
Variant type: single nucleotide variant.
Coding change: c.386A>G on transcript NM_032608.7 (MANE Select); coding-DNA position 386, A replaced by G.
Protein change: p.Gln129Arg; replaces glutamine 129 with arginine.
Molecular consequence: missense variant.
Genome position (GRCh38, 1-based): chr22:25,768,302, A>G. VCF-style: chr22-25768302-A-G. GRCh37 (hg19) VCF-style: chr22-26164269-A-G.
Other names: c.386A>G, p.Gln129Arg (NM_001318245.2); short protein forms Q129R.
Identifiers: ClinVar variation 1360835 (VCV001360835.8), dbSNP rs2145580764, ClinGen allele CA411001390.